The following is an entry in ClinVar:

ClinVar aggregate classification (germline): Uncertain significance. Review status: criteria provided, multiple submitters, no conflicts (2 of 4 stars). 4 submissions from 4 submitters: Uncertain significance (4). Last evaluated 2026-01-09.

Conditions:
Neuropathy, hereditary sensory and autonomic, type 2A (HSAN2A). Also called: HSAN IIA; WNK1-Related HSAN2 (HSAN2A); MORVAN DISEASE; NEUROPATHY, CONGENITAL SENSORY; NEUROPATHY, HEREDITARY SENSORY RADICULAR, AUTOSOMAL RECESSIVE; NEUROPATHY, HEREDITARY SENSORY, TYPE IIA. Identifiers: Orphanet 970, MedGen C2752089, MONDO:0024309, OMIM 201300.
Generalized epilepsy with febrile seizures plus, type 7 (GEFSP7). Also called: GEFS+, TYPE 7. Identifiers: Orphanet 36387, MedGen C2751778, MONDO:0013470, OMIM 613863.
Paroxysmal extreme pain disorder (PEXPD). Also called: PAIN, SUBMANDIBULAR, OCULAR, AND RECTAL, WITH FLUSHING; RECTAL PAIN, FAMILIAL; SCN9A Paroxysmal Extreme Pain Disorder (SCN9A-PEPD). Identifiers: Orphanet 46348, MedGen C1833661, MONDO:0008179, OMIM 167400.

Allele frequency attached by ClinVar (database versions not stated): TOPMed below 0.00001; gnomAD 0.00001.

Submissions (4):

Labcorp Genetics (formerly Invitae), Labcorp
Classification: Uncertain significance for Neuropathy, hereditary sensory and autonomic, type 2A; Generalized epilepsy with febrile seizures plus, type 7. Last evaluated: 2026-01-09. Review status: criteria provided, single submitter. Criteria: Invitae Variant Classification Sherloc (09022015). Collection method: clinical testing. Allele origin: germline.
Comment: This sequence change replaces methionine, which is neutral and non-polar, with isoleucine, which is neutral and non-polar, at codon 1644 of the SCN9A protein (p.Met1644Ile). This variant is not present in population databases (gnomAD no frequency). This variant has not been reported in the literature in individuals affected with SCN9A-related conditions. ClinVar contains an entry for this variant (Variation ID: 246334). Invitae Evidence Modeling of protein sequence and biophysical properties (such as structural, functional, and spatial information, amino acid conservation, physicochemical variation, residue mobility, and thermodynamic stability) indicates that this missense variant is not expected to disrupt SCN9A protein function with a negative predictive value of 95%. In summary, the available evidence is currently insufficient to determine the role of this variant in disease. Therefore, it has been classified as a Variant of Uncertain Significance.

CeGaT Center for Human Genetics Tuebingen
Classification: Uncertain significance. Last evaluated: 2025-07-01. Review status: criteria provided, single submitter. Criteria: CeGaT Center For Human Genetics Tuebingen Variant Classification Criteria Version 2. Collection method: clinical testing. Allele origin: germline. Affected: yes. Observed: 1 variant allele.
Comment: SCN9A: PM2, PP3

Victorian Clinical Genetics Services, Murdoch Childrens Research Institute
Classification: Uncertain significance for Paroxysmal extreme pain disorder. Last evaluated: 2022-02-02. Review status: criteria provided, single submitter. Criteria: ACMG Guidelines, 2015. Collection method: clinical testing. Allele origin: germline.
Comment: Based on the classification scheme VCGS_Germline_v1.3.4, this variant is classified as VUS-3B. Following criteria are met: 0103 - Loss of function and gain of function are known mechanisms of disease in this gene and are associated with neuropathies. Loss of function variants are associated with congenital insensitivity to pain (MIM#243000), while gain of function variants are associated with erythermalgia (MIM#133020) and paroxysmal extreme pain disorder (MIM#167400; PMID: 18060017). (I) 0108 - This gene is associated with both recessive and dominant disease. Congenital insensitivity to pain (MIM#243000) is associated with autosomal recessive inheritance, while erythermalgia (MIM#133020) and paroxysmal extreme pain disorder (MIM#167400) are inherited in an autosomal dominant pattern (OMIM). (I) 0112 - The condition associated with this gene has incomplete penetrance. Adult-onset small fibre neuropathy is associated with reduced penetrance (GeneReviews). (I) 0200 - Variant is predicted to result in a missense amino acid change from methionine to isoleucine. (I) 0251 - This variant is heterozygous. (I) 0304 - Variant is present in gnomAD (v3) <0.01 (1 heterozygote, 0 homozygotes). (SP) 0502 - Missense variant with conflicting in silico predictions and uninformative conservation. (I) 0600 - Variant is located in the annotated ion transport protein domain (Pfam). (I) 0705 - No comparable missense variants have previous evidence for pathogenicity. (I) 0809 - Previous evidence of pathogenicity for this variant is inconclusive. This variant has been described twice as a VUS in the ClinVar database; an alternative nucleotide change resulting in the same missense change has also been reported once as a VUS in ClinVar. (I) 0905 - No published segregation evidence has been identified for this variant. (I) 1007 - No published functional evidence has been identified for this variant. (I) 1208 - Inheritance information for this variant is not currently available in this individual. (I)

GeneDx
Classification: Uncertain significance. Last evaluated: 2016-01-30. Review status: criteria provided, single submitter. Criteria: GeneDx Variant Classification (06012015). Collection method: clinical testing. Allele origin: germline. Affected: yes.
Comment: The M1644I variant has not been published as a pathogenic variant, nor has it been reported as a benign variant to our knowledge. It was not observed in approximately 6,500 individuals of European and African American ancestry in the NHLBI Exome Sequencing Project, indicating it is not a common benign variant in these populations. This substitution occurs at a conserved position in the loop between the S4 and S5 transmembrane segments of the fourth homologous domain. In silico analysis predicts this variant is probably damaging to the protein structure/function. However, the M1644I variant is a conservative amino acid substitution, which is not likely to impact secondary protein structure as these residues share similar properties. Therefore, based on the currently available information, it is unclear whether this variant is a pathogenic variant or a rare benign variant.

Literature cited by the submitters: PubMed 32601768 (cited by Victorian Clinical Genetics Services, Murdoch Childrens Research Institute); PubMed 33216760 (cited by Victorian Clinical Genetics Services, Murdoch Childrens Research Institute); PubMed 18060017 (cited by Victorian Clinical Genetics Services, Murdoch Childrens Research Institute).

NM_001365536.1(SCN9A):c.4965G>T (p.Met1655Ile)

Genes: SCN1A-AS1 (SCN1A and SCN9A antisense RNA 1; plus strand), SCN9A (sodium voltage-gated channel alpha subunit 9; minus strand). Cytogenetic location: 2q24.3.
Variant type: single nucleotide variant.
Coding change: c.4965G>T on transcript NM_001365536.1 (MANE Select); coding-DNA position 4965, G replaced by T.
Protein change: p.Met1655Ile; replaces methionine 1655 with isoleucine.
Molecular consequence: missense variant. On other transcripts: non-coding transcript variant (1).
Genome position (GRCh38, 1-based): chr2:166,199,674, C>A on the plus strand (G>T on the coding strand, the complement: SCN9A is on the minus strand). VCF-style: chr2-166199674-C-A. GRCh37 (hg19) VCF-style: chr2-167056184-C-A.
Other names: c.4932G>T, p.Met1644Ile (NM_002977.4); short protein forms M1644I, M1655I.
Identifiers: ClinVar variation 246334 (VCV000246334.20), dbSNP rs200166620, ClinGen allele CA10584161.